The following is an entry in ClinVar:

ClinVar aggregate classification (germline): Uncertain significance (1 of 4 stars; one submission).

Conditions:
Retinitis pigmentosa 59 (RP59). Identifiers: Orphanet 791, MedGen C3151227, MONDO:0013468, OMIM 613861.

Submission:

Labcorp Genetics (formerly Invitae), Labcorp
Classification: Uncertain significance for Retinitis pigmentosa 59. Last evaluated: 2025-12-26. Review status: criteria provided, single submitter. Criteria: Invitae Variant Classification Sherloc (09022015). Collection method: clinical testing. Allele origin: germline.
Comment: This sequence change replaces lysine, which is basic and polar, with arginine, which is basic and polar, at codon 87 of the DHDDS protein (p.Lys87Arg). This variant is present in population databases (rs765184169, gnomAD 0.02%), including at least one homozygous and/or hemizygous individual. This variant has not been reported in the literature in individuals affected with DHDDS-related conditions. Invitae Evidence Modeling of protein sequence and biophysical properties (such as structural, functional, and spatial information, amino acid conservation, physicochemical variation, residue mobility, and thermodynamic stability) indicates that this missense variant is not expected to disrupt DHDDS protein function with a negative predictive value of 80%. In summary, the available evidence is currently insufficient to determine the role of this variant in disease. Therefore, it has been classified as a Variant of Uncertain Significance.

NM_205861.3(DHDDS):c.260A>G (p.Lys87Arg)

Gene: DHDDS (dehydrodolichyl diphosphate synthase subunit; plus strand). Cytogenetic location: 1p36.11.
Variant type: single nucleotide variant.
Coding change: c.260A>G on transcript NM_205861.3 (MANE Select); coding-DNA position 260, A replaced by G.
Protein change: p.Lys87Arg; replaces lysine 87 with arginine.
Molecular consequence: missense variant. On other transcripts: 5 prime UTR variant (1).
Genome position (GRCh38, 1-based): chr1:26,442,810, A>G. VCF-style: chr1-26442810-A-G. GRCh37 (hg19) VCF-style: chr1-26769301-A-G.
Other names: c.260A>G, p.Lys87Arg (NM_001243564.2, NM_001243565.2, NM_024887.4); c.-20A>G (NM_001319959.2); short protein forms K87R.
Identifiers: ClinVar variation 4748270 (VCV004748270.1).